The following is an entry in ClinVar:

ClinVar aggregate classification (germline): Uncertain significance (1 of 4 stars; one submission).

Conditions:
Cohen syndrome (COH1). Also called: PEPPER SYNDROME; Cutis verticis gyrata, retinitis pigmentosa, and sensorineural deafness. Identifiers: Orphanet 193, MedGen C0265223, MONDO:0008999, OMIM 216550.

Submission:

Labcorp Genetics (formerly Invitae), Labcorp
Classification: Uncertain significance for Cohen syndrome. Last evaluated: 2021-10-21. Review status: criteria provided, single submitter. Criteria: Invitae Variant Classification Sherloc (09022015). Collection method: clinical testing. Allele origin: germline.
Comment: This sequence change replaces serine, which is neutral and polar, with glycine, which is neutral and non-polar, at codon 862 of the VPS13B protein (p.Ser862Gly). This variant is not present in population databases (gnomAD no frequency). This variant has not been reported in the literature in individuals affected with VPS13B-related conditions. Algorithms developed to predict the effect of missense changes on protein structure and function are either unavailable or do not agree on the potential impact of this missense change (SIFT: "Not Available"; PolyPhen-2: "Possibly Damaging"; Align-GVGD: "Not Available"). In summary, the available evidence is currently insufficient to determine the role of this variant in disease. Therefore, it has been classified as a Variant of Uncertain Significance.

NM_152564.5(VPS13B):c.2584A>G (p.Ser862Gly)

Gene: VPS13B (vacuolar protein sorting 13 homolog B; plus strand). Cytogenetic location: 8q22.2.
Variant type: single nucleotide variant.
Coding change: c.2584A>G on transcript NM_152564.5 (MANE Select); coding-DNA position 2584, A replaced by G.
Protein change: p.Ser862Gly; replaces serine 862 with glycine.
Molecular consequence: missense variant.
Genome position (GRCh38, 1-based): chr8:99,274,266, A>G. VCF-style: chr8-99274266-A-G. GRCh37 (hg19) VCF-style: chr8-100286494-A-G.
Other names: c.2584A>G, p.Ser862Gly (NM_017890.5); short protein forms S862G.
Identifiers: ClinVar variation 1388343 (VCV001388343.6), dbSNP rs2132994953, ClinGen allele CA371862238.
Genomic context (GRCh38, chr8:99,274,266, plus strand): 5'-TCTAAGAATCCCCTGCCAACTCTTGAGGGCTCAATCCAGAATGTTGAATTGAAGTACTGC[A>G]GCACATCATTGGTCAAATGTGCCTCTGGGACCATGGGATCAATAAAAATTTGTGCCAAAG-3'
Protein context (NP_689777.3, residues 852-872): SIQNVELKYC[Ser862Gly]TSLVKCASGT